The following is an entry in ClinVar:

ClinVar aggregate classification (germline): Pathogenic (1 of 4 stars; one submission).

Conditions:
Pyruvate dehydrogenase E3 deficiency (DLDD). Also called: Dihydrolipoamide Dehydrogenase E3 Deficiency; Dihydrolipoamide Dehydrogenase Deficiency; Dihydrolipoamide Dehydrogenase (E3) Deficiency; Lipoamide dehydrogenase deficiency, lactic acidosis due to; Lipoamide dehydrogenase deficiency; MAPLE SYRUP URINE DISEASE, TYPE III. Identifiers: Orphanet 2394, Orphanet 765, MedGen C5574660, MONDO:0009529, OMIM 246900.

Submission:

Labcorp Genetics (formerly Invitae), Labcorp
Classification: Pathogenic for Pyruvate dehydrogenase E3 deficiency. Last evaluated: 2022-07-26. Review status: criteria provided, single submitter. Criteria: Invitae Variant Classification Sherloc (09022015). Collection method: clinical testing. Allele origin: germline.
Comment: This variant is present in population databases (no rsID available, gnomAD 0.0009%). This sequence change creates a premature translational stop signal (p.Gln262Asnfs*13) in the DLD gene. It is expected to result in an absent or disrupted protein product. Loss-of-function variants in DLD are known to be pathogenic (PMID: 8968745, 9934985). This variant has not been reported in the literature in individuals affected with DLD-related conditions. ClinVar contains an entry for this variant (Variation ID: 1359450). For these reasons, this variant has been classified as Pathogenic.

Literature cited by the submitters: PubMed 8968745; PubMed 9934985.

NM_000108.5(DLD):c.783del (p.Gln262fs)

Gene: DLD (dihydrolipoamide dehydrogenase; plus strand). Cytogenetic location: 7q31.1.
Variant type: Deletion.
Coding change: c.783del on transcript NM_000108.5 (MANE Select); coding-DNA position 783, one base deleted (T; older notation c.783delT).
Protein change: p.Gln262fs; shifts the reading frame from glutamine 262.
Molecular consequence: frameshift variant.
Genome position (GRCh38, 1-based): chr7:107,915,604, T deleted; the last of 3 consecutive T bases (chr7:107,915,602-107,915,604); deleting any one gives the same sequence. VCF-style (leftmost placement, unchanged base first): chr7-107915601-CT-C. GRCh37 (hg19) VCF-style: chr7-107556046-CT-C.
Other names: c.486del, p.Gln163fs (NM_001289750.1); c.714del, p.Gln239fs (NM_001289751.1); c.639del, p.Gln214fs (NM_001289752.1); short protein forms Q214fs, Q163fs, Q262fs, Q239fs.
Identifiers: ClinVar variation 1359450 (VCV001359450.6), dbSNP rs1562919685, ClinGen allele CA577199128.